The following is an entry in ClinVar:

ClinVar aggregate classification (germline): Uncertain significance (1 of 4 stars; one submission).

Conditions:
Intellectual developmental disorder, autosomal dominant 44, with microcephaly. Also called: TRIO-Related Intellectual Disability; Micrognathia-recurrent infections-behavioral abnormalities-mild intellectual disability syndrome. Identifiers: Orphanet 476126, MedGen C4310740, MONDO:0014892, OMIM 617061.

Submission:

Institute of Human Genetics, University of Leipzig Medical Center
Classification: Uncertain significance for Intellectual developmental disorder, autosomal dominant 44, with microcephaly. Last evaluated: 2021-11-26. Review status: criteria provided, single submitter. Criteria: ACMG Guidelines, 2015. Collection method: clinical testing. Allele origin: de novo. Affected: yes.
Comment: This variant was identified as de novo (maternity and paternity confirmed)._x000D_ Criteria applied: PS2_MOD, PM2_SUP

NM_007118.4(TRIO):c.6836-6T>C

Gene: TRIO (trio Rho guanine nucleotide exchange factor; plus strand). Cytogenetic location: 5p15.2.
Variant type: single nucleotide variant.
Coding change: c.6836-6T>C on transcript NM_007118.4 (MANE Select); 6 bases into the intron before coding-DNA position 6836, T replaced by C.
Molecular consequence: intron variant.
Genome position (GRCh38, 1-based): chr5:14,487,458, T>C. VCF-style: chr5-14487458-T-C. GRCh37 (hg19) VCF-style: chr5-14487567-T-C.
Identifiers: ClinVar variation 1329877 (VCV001329877.1), dbSNP rs1364924645, ClinGen allele CA1073437379.